The following is an entry in ClinVar:

ClinVar aggregate classification (germline): Uncertain significance (1 of 4 stars; one submission).

Submission:

Dasa
Classification: Uncertain significance. Last evaluated: 2024-11-13. Review status: criteria provided, single submitter. Criteria: DASA Assertion Criteria. Collection method: clinical testing. Allele origin: germline.
Comment: NM_021224.6(ZNF462):c.4282A>T (p.Asn1428Tyr) is a missense variant that results in the substitution of asparagine with tyrosine. This variant is absent from population databases. Computational prediction algorithms are consistent with a benign effect. The currently available literature and clinical evidence are not sufficient to establish a definitive association between this variant and the reported condition. Therefore, this variant is classified as a variant of uncertain significance.

NM_021224.6(ZNF462):c.4282A>T (p.Asn1428Tyr)

Gene: ZNF462 (zinc finger protein 462; plus strand). Cytogenetic location: 9q31.2.
Variant type: single nucleotide variant.
Coding change: c.4282A>T on transcript NM_021224.6 (MANE Select); coding-DNA position 4282, A replaced by T.
Protein change: p.Asn1428Tyr; replaces asparagine 1428 with tyrosine.
Molecular consequence: missense variant. On other transcripts: intron variant (1).
Genome position (GRCh38, 1-based): chr9:106,928,194, A>T. VCF-style: chr9-106928194-A-T. GRCh37 (hg19) VCF-style: chr9-109690475-A-T.
Other names: c.3252+1030A>T (NM_001347997.2); short protein forms N1428Y.
Identifiers: ClinVar variation 5021046 (VCV005021046.1).